The following is an entry in ClinVar:

ClinVar aggregate classification (germline): Uncertain significance. Review status: criteria provided, multiple submitters, no conflicts (2 of 4 stars). 3 submissions from 3 submitters: Uncertain significance (3). Last evaluated 2024-12-12.

Conditions:
Neurodegeneration with brain iron accumulation 5 (NBIA5). Also called: STATIC ENCEPHALOPATHY OF CHILDHOOD WITH NEURODEGENERATION IN ADULTHOOD; Beta-propeller protein-associated neurodegeneration. Identifiers: Orphanet 329284, MedGen C3550973, MONDO:0010476, OMIM 300894.
Oculocutaneous albinism type 7. Also called: Albinism, oculocutaneous, type VII. Identifiers: Orphanet 352745, MedGen C3808786, MONDO:0014070, OMIM 615179.

Allele frequency attached by ClinVar (database versions not stated): gnomAD 0.00001; gnomAD exomes 0.00002; ExAC 0.00006; 1000 Genomes Project 30x 0.00021; 1000 Genomes Project 0.00026.
gnomAD v4.1: 19 of 1,204,601 alleles (0.0016%); highest among the groups gnomAD compares: Non-Finnish European, 0.002%; no homozygotes.

Submissions (3):

Labcorp Genetics (formerly Invitae), Labcorp
Classification: Uncertain significance for Neurodegeneration with brain iron accumulation 5. Last evaluated: 2024-12-12. Review status: criteria provided, single submitter. Criteria: Invitae Variant Classification Sherloc (09022015). Collection method: clinical testing. Allele origin: germline.
Comment: This sequence change replaces alanine, which is neutral and non-polar, with valine, which is neutral and non-polar, at codon 86 of the WDR45 protein (p.Ala86Val). The frequency data for this variant in the population databases is considered unreliable, as metrics indicate poor data quality at this position in the gnomAD database. This variant has not been reported in the literature in individuals affected with WDR45-related conditions. ClinVar contains an entry for this variant (Variation ID: 540347). Invitae Evidence Modeling of protein sequence and biophysical properties (such as structural, functional, and spatial information, amino acid conservation, physicochemical variation, residue mobility, and thermodynamic stability) indicates that this missense variant is not expected to disrupt WDR45 protein function with a negative predictive value of 80%. In summary, the available evidence is currently insufficient to determine the role of this variant in disease. Therefore, it has been classified as a Variant of Uncertain Significance.

GeneDx
Classification: Uncertain significance. Last evaluated: 2024-02-06. Review status: criteria provided, single submitter. Criteria: GeneDx Variant Classification Process June 2021. Collection method: clinical testing. Allele origin: germline. Affected: yes.
Comment: In silico analysis supports that this missense variant does not alter protein structure/function; Has not been previously published as pathogenic or benign to our knowledge

Fulgent Genetics
Classification: Uncertain significance for Neurodegeneration with brain iron accumulation 5; Oculocutaneous albinism type 7. Last evaluated: 2021-12-02. Review status: criteria provided, single submitter. Criteria: ACMG Guidelines, 2015. Collection method: clinical testing. Allele origin: unknown.

NM_001029896.2(WDR45):c.254C>T (p.Ala85Val)

Gene: WDR45 (WD repeat domain 45; minus strand). Cytogenetic location: Xp11.23.
Variant type: single nucleotide variant.
Coding change: c.254C>T on transcript NM_001029896.2 (MANE Select); coding-DNA position 254, C replaced by T.
Protein change: p.Ala85Val; replaces alanine 85 with valine.
Molecular consequence: missense variant.
Genome position (GRCh38, 1-based): chrX:49,076,732, G>A on the plus strand (C>T on the coding strand, the complement: WDR45 is on the minus strand). VCF-style: chrX-49076732-G-A. GRCh37 (hg19) VCF-style: chrX-48934391-G-A.
Other names: c.257C>T, p.Ala86Val (NM_007075.4); short protein forms A86V, A85V.
Identifiers: ClinVar variation 540347 (VCV000540347.11), dbSNP rs41310595, ClinGen allele CA10408576.